The following is an entry in ClinVar:

NM_017780.4(CHD7):c.8096T>C (p.Met2699Thr)

Gene: CHD7 (chromodomain helicase DNA binding protein 7; plus strand). Cytogenetic location: 8q12.2.
Variant type: single nucleotide variant.
Coding change: c.8096T>C on transcript NM_017780.4 (MANE Select); coding-DNA position 8096, T replaced by C.
Protein change: p.Met2699Thr; replaces methionine 2699 with threonine.
Molecular consequence: missense variant.
Genome position (GRCh38, 1-based): chr8:60,865,035, T>C. VCF-style: chr8-60865035-T-C. GRCh37 (hg19) VCF-style: chr8-61777594-T-C.
Other names: c.1949T>C, p.Met650Thr (NM_001316690.1); short protein forms M2699T, M650T.
Identifiers: ClinVar variation 4881391 (VCV004881391.2).

ClinVar aggregate classification (germline): Uncertain significance (1 of 4 stars; one submission).

gnomAD v4.1: 2 of 1,603,016 alleles (0.00012%); highest among the groups gnomAD compares: Non-Finnish European, 0.00017%; no homozygotes.

Submission:

Dasa
Classification: Uncertain significance. Last evaluated: 2025-01-27. Review status: criteria provided, single submitter. Criteria: DASA Assertion Criteria. Collection method: clinical testing. Allele origin: germline.
Comment: NM_017780.4(CHD7):c.8096T>C (p.Met2699Thr) is a missense variant that results in the substitution of methionine with threonine. This variant is rare in population databases. Computational prediction algorithms are consistent with a benign effect. The currently available literature and clinical evidence are not sufficient to establish a definitive association between this variant and the reported condition. Therefore, this variant is classified as a variant of uncertain significance.